The following is an entry in ClinVar:

ClinVar aggregate classification (germline): Uncertain significance (1 of 4 stars; one submission).

Conditions:
Hereditary cancer-predisposing syndrome. Also called: Neoplastic Syndromes, Hereditary; Tumor predisposition; Hereditary neoplastic syndrome; Hereditary Cancer Syndrome. Identifiers: Orphanet 140162, MedGen C0027672, MeSH D009386, MONDO:0015356.

Submission:

Ambry Genetics
Classification: Uncertain significance for Hereditary cancer-predisposing syndrome. Last evaluated: 2026-07-13. Review status: criteria provided, single submitter. Criteria: Ambry Variant Classification Scheme 2023. Collection method: clinical testing. Allele origin: germline.
Comment: The p.L162M variant (also known as c.484C>A), located in coding exon 3 of the FLCN gene, results from a C to A substitution at nucleotide position 484. The leucine at codon 162 is replaced by methionine, an amino acid with highly similar properties. This amino acid position is conserved. In addition, the in silico prediction for this alteration is inconclusive. Based on the available evidence, the clinical significance of this variant remains unclear.

NM_144997.7(FLCN):c.484C>A (p.Leu162Met)

Gene: FLCN (folliculin; minus strand). Cytogenetic location: 17p11.2.
Variant type: single nucleotide variant.
Coding change: c.484C>A on transcript NM_144997.7 (MANE Select); coding-DNA position 484, C replaced by A.
Protein change: p.Leu162Met; replaces leucine 162 with methionine.
Molecular consequence: missense variant.
Genome position (GRCh38, 1-based): chr17:17,224,056, G>T on the plus strand (C>A on the coding strand, the complement: FLCN is on the minus strand). VCF-style: chr17-17224056-G-T. GRCh37 (hg19) VCF-style: chr17-17127370-G-T.
Other names: c.538C>A, p.Leu180Met (NM_001353229.2); c.484C>A, p.Leu162Met (NM_001353230.2, NM_001353231.2, NM_144606.7); short protein forms L180M, L162M.
Identifiers: ClinVar variation 5021849 (VCV005021849.1).